The following is an entry in ClinVar:

ClinVar aggregate classification (germline): Uncertain significance (1 of 4 stars; one submission).

Conditions:
Ataxia-telangiectasia syndrome (AT). Also called: Cerebello-oculocutaneous telangiectasia; Immunodeficiency with ataxia telangiectasia; Ataxia-telangiectasia, complementation group E; Ataxia-telangiectasia, complementation group D; AT, COMPLEMENTATION GROUP C; ATAXIA-TELANGIECTASIA, COMPLEMENTATION GROUP A. Identifiers: Orphanet 100, MedGen C0004135, MONDO:0008840, OMIM 208900.

Submission:

Labcorp Genetics (formerly Invitae), Labcorp
Classification: Uncertain significance for Ataxia-telangiectasia syndrome. Last evaluated: 2017-11-21. Review status: criteria provided, single submitter. Criteria: Invitae Variant Classification Sherloc (09022015). Collection method: clinical testing. Allele origin: germline.
Comment: In summary, the available evidence is currently insufficient to determine the role of this variant in disease. Therefore, it has been classified as a Variant of Uncertain Significance. Algorithms developed to predict the effect of missense changes on protein structure and function (SIFT, PolyPhen-2, Align-GVGD) all suggest that this variant is likely to be disruptive, but these predictions have not been confirmed by published functional studies and their clinical significance is uncertain. This variant has not been reported in the literature in individuals with ATM-related disease. This variant is not present in population databases (ExAC no frequency). This sequence change replaces threonine with proline at codon 2666 of the ATM protein (p.Thr2666Pro). The threonine residue is highly conserved and there is a small physicochemical difference between threonine and proline.

NM_000051.4(ATM):c.7996A>C (p.Thr2666Pro)

Genes: ATM (ATM serine/threonine kinase; plus strand), C11orf65 (chromosome 11 open reading frame 65; minus strand). Cytogenetic location: 11q22.3.
Variant type: single nucleotide variant.
Coding change: c.7996A>C on transcript NM_000051.4 (MANE Select); coding-DNA position 7996, A replaced by C.
Protein change: p.Thr2666Pro; replaces threonine 2666 with proline.
Molecular consequence: missense variant. On other transcripts: intron variant (2).
Genome position (GRCh38, 1-based): chr11:108,333,954, A>C. VCF-style: chr11-108333954-A-C. GRCh37 (hg19) VCF-style: chr11-108204681-A-C.
Other names: c.7996A>C, p.Thr2666Pro (NM_001351834.2); c.641-24883T>G (NM_001330368.2); c.*38+1266T>G (NM_001351110.2); short protein forms T2666P.
Identifiers: ClinVar variation 524299 (VCV000524299.9), dbSNP rs745775382, ClinGen allele CA382561788.